The following is an entry in ClinVar:

ClinVar aggregate classification (germline): Uncertain significance (1 of 4 stars; one submission).

Conditions:
Epilepsy, X-linked 1, with variable learning disabilities and behavior disorders. Also called: X-linked epilepsy-learning disabilities-behavior disorders syndrome. Identifiers: Orphanet 85294, MedGen C5774177, MONDO:0010339, OMIM 300491.

Allele frequency attached by ClinVar (database versions not stated): gnomAD exomes 0.00001.
gnomAD v4.1: 4 of 1,212,040 alleles (0.00033%); highest among the groups gnomAD compares: Non-Finnish European, 0.00045%; no homozygotes.

Submission:

Labcorp Genetics (formerly Invitae), Labcorp
Classification: Uncertain significance for Epilepsy, X-linked 1, with variable learning disabilities and behavior disorders. Last evaluated: 2023-10-03. Review status: criteria provided, single submitter. Criteria: Invitae Variant Classification Sherloc (09022015). Collection method: clinical testing. Allele origin: germline.
Comment: This sequence change replaces tyrosine, which is neutral and polar, with cysteine, which is neutral and slightly polar, at codon 323 of the SYN1 protein (p.Tyr323Cys). This variant is not present in population databases (gnomAD no frequency). This variant has not been reported in the literature in individuals affected with SYN1-related conditions. ClinVar contains an entry for this variant (Variation ID: 2074246). An algorithm developed to predict the effect of missense changes on protein structure and function (PolyPhen-2) suggests that this variant is likely to be disruptive. In summary, the available evidence is currently insufficient to determine the role of this variant in disease. Therefore, it has been classified as a Variant of Uncertain Significance.

NM_006950.3(SYN1):c.968A>G (p.Tyr323Cys)

Gene: SYN1 (synapsin I; minus strand). Cytogenetic location: Xp11.3.
Variant type: single nucleotide variant.
Coding change: c.968A>G on transcript NM_006950.3 (MANE Select); coding-DNA position 968, A replaced by G.
Protein change: p.Tyr323Cys; replaces tyrosine 323 with cysteine.
Molecular consequence: missense variant.
Genome position (GRCh38, 1-based): chrX:47,576,510, T>C on the plus strand (A>G on the coding strand, the complement: SYN1 is on the minus strand). VCF-style: chrX-47576510-T-C. GRCh37 (hg19) VCF-style: chrX-47435909-T-C.
Other names: c.968A>G, p.Tyr323Cys (NM_133499.2); short protein forms Y323C.
Identifiers: ClinVar variation 2074246 (VCV002074246.4), dbSNP rs2519686912, ClinGen allele CA412826883.